The following is an entry in ClinVar:

ClinVar aggregate classification (germline): Likely pathogenic. Review status: criteria provided, multiple submitters, no conflicts (2 of 4 stars). 2 submissions from 2 submitters: Likely pathogenic (2). Last evaluated 2022-08-23.

Conditions:
Andersen Tawil syndrome (LQT7). Also called: ANDERSEN CARDIODYSRHYTHMIC PERIODIC PARALYSIS; Andersen Syndrome; LONG QT SYNDROME 7; Potassium-sensitive periodic paralysis, ventricular ectopy, and dysmorphic features; PERIODIC PARALYSIS, POTASSIUM-SENSITIVE CARDIODYSRHYTHMIC TYPE. Identifiers: Orphanet 37553, MedGen C1563715, MONDO:0008222, OMIM 170390.
Short QT syndrome type 3. Identifiers: Orphanet 51083, MedGen C1865018, MONDO:0012314, OMIM 609622.

Submissions (2):

Labcorp Genetics (formerly Invitae), Labcorp
Classification: Likely pathogenic for Short QT syndrome type 3; Andersen Tawil syndrome. Last evaluated: 2022-08-23. Review status: criteria provided, single submitter. Criteria: Invitae Variant Classification Sherloc (09022015). Collection method: clinical testing. Allele origin: germline.
Comment: In summary, the currently available evidence indicates that the variant is pathogenic, but additional data are needed to prove that conclusively. Therefore, this variant has been classified as Likely Pathogenic. This variant disrupts the p.Arg218 amino acid residue in KCNJ2. Other variant(s) that disrupt this residue have been determined to be pathogenic (PMID: 12796536, 17119796, 17221872, 22589293). This suggests that this residue is clinically significant, and that variants that disrupt this residue are likely to be disease-causing. Advanced modeling of protein sequence and biophysical properties (such as structural, functional, and spatial information, amino acid conservation, physicochemical variation, residue mobility, and thermodynamic stability) performed at Invitae indicates that this missense variant is expected to disrupt KCNJ2 protein function. ClinVar contains an entry for this variant (Variation ID: 430545). This missense change has been observed in individual(s) with skeletal muscle channelopathies (PMID: 29606556). This variant is not present in population databases (gnomAD no frequency). This sequence change replaces arginine, which is basic and polar, with proline, which is neutral and non-polar, at codon 218 of the KCNJ2 protein (p.Arg218Pro).

GeneDx
Classification: Likely pathogenic. Last evaluated: 2017-05-19. Review status: criteria provided, single submitter. Criteria: GeneDx Variant Classification (06012015). Collection method: clinical testing. Allele origin: germline. Affected: yes.
Comment: The R218P variant that is likely pathogenic was identified in the KCNJ2 gene. This variant has been previously reported in at least one family in association with Andersen-Tawil syndrome (ATS) (Krych et al., 2017). The R218P variant is also not observed in large population cohorts (Lek et al., 2016; 1000 Genomes Consortium et al., 2015; Exome Variant Server). The R218P variant is a non-conservative amino acid substitution, which is likely to impact secondary protein structure as these residues differ in polarity, charge, size and/or other properties. Additionally, this substitution occurs at a position that is conserved across species and in silico analysis predicts this variant is probably damaging to the protein structure/function. Furthermore, pathogenic/likely pathogenic missense variants at the same residue (R218Q, R218W) and nearby residues (G215D, N216Y, N216H), have been reported in HGMD, ClinVar and/or reported at GeneDx in association with ATS (Stenson et al., 2014; ClinVar SCV000541389.1; Landrum et al., 2016), supporting the functional importance of this residue and region of the protein.

Literature cited by the submitters: PubMed 12796536 (cited by Labcorp Genetics (formerly Invitae), Labcorp); PubMed 17119796 (cited by Labcorp Genetics (formerly Invitae), Labcorp); PubMed 17221872 (cited by Labcorp Genetics (formerly Invitae), Labcorp); PubMed 22589293 (cited by Labcorp Genetics (formerly Invitae), Labcorp); PubMed 29606556 (cited by Labcorp Genetics (formerly Invitae), Labcorp).

NM_000891.3(KCNJ2):c.653G>C (p.Arg218Pro)

Gene: KCNJ2 (potassium inwardly rectifying channel subfamily J member 2; plus strand). Cytogenetic location: 17q24.3.
Variant type: single nucleotide variant.
Coding change: c.653G>C on transcript NM_000891.3 (MANE Select); coding-DNA position 653, G replaced by C.
Protein change: p.Arg218Pro; replaces arginine 218 with proline.
Molecular consequence: missense variant.
Genome position (GRCh38, 1-based): chr17:70,175,692, G>C. VCF-style: chr17-70175692-G-C. GRCh37 (hg19) VCF-style: chr17-68171833-G-C.
Other names: short protein forms R218P.
Identifiers: ClinVar variation 430545 (VCV000430545.7), dbSNP rs199473384, ClinGen allele CA400861474.